The following is an entry in ClinVar:

NM_020919.4(ALS2):c.2272A>G (p.Ser758Gly)

Gene: ALS2 (alsin Rho guanine nucleotide exchange factor ALS2; minus strand). Cytogenetic location: 2q33.1.
Variant type: single nucleotide variant.
Coding change: c.2272A>G on transcript NM_020919.4 (MANE Select); coding-DNA position 2272, A replaced by G.
Protein change: p.Ser758Gly; replaces serine 758 with glycine.
Molecular consequence: missense variant.
Genome position (GRCh38, 1-based): chr2:201,741,753, T>C on the plus strand (A>G on the coding strand, the complement: ALS2 is on the minus strand). VCF-style: chr2-201741753-T-C. GRCh37 (hg19) VCF-style: chr2-202606476-T-C.
Other names: c.2272A>G, p.Ser758Gly (NM_001410975.1); short protein forms S758G.
Identifiers: ClinVar variation 1910080 (VCV001910080.5), dbSNP rs763439115, ClinGen allele CA2058238.
Genomic context (GRCh38, chr2:201,741,753, plus strand): 5'-AGAGACTTGAATGCTTCAGGATGACCAAACTCCTGGCTTCCTTTACCCCATGAAGGAAGC[T>C]GCTCAATGAGGCTCCATGCTGACCAATGAGGTAACACAGCTTGCTGAATCGGCTAGCCAC-3'
Protein context (NP_065970.2, residues 748-768): LIGQHGASLS[Ser758Gly]FLHGVKEARS

ClinVar aggregate classification (germline): Uncertain significance (1 of 4 stars; one submission).

Conditions:
Infantile-onset ascending hereditary spastic paralysis (IAHSP). Also called: Infantile-Onset Ascending Hereditary Spastic Paralysis (IAHSP); Autosomal Recessive Juvenile Amyotrophic Lateral Sclerosis. Identifiers: Orphanet 293168, MedGen C2931441, MONDO:0011797, OMIM 607225. Disease mechanism: loss of function.

Allele frequency attached by ClinVar (database versions not stated): gnomAD 0.00001; gnomAD exomes 0.00001; TOPMed 0.00001; ExAC 0.00002.
gnomAD v4.1: 7 of 1,614,058 alleles (0.00043%); highest among the groups gnomAD compares: Admixed American, 0.0033%; no homozygotes.

Submission:

Labcorp Genetics (formerly Invitae), Labcorp
Classification: Uncertain significance for Infantile-onset ascending hereditary spastic paralysis. Last evaluated: 2022-04-03. Review status: criteria provided, single submitter. Criteria: Invitae Variant Classification Sherloc (09022015). Collection method: clinical testing. Allele origin: germline.
Comment: This sequence change replaces serine, which is neutral and polar, with glycine, which is neutral and non-polar, at codon 758 of the ALS2 protein (p.Ser758Gly). This variant is present in population databases (rs763439115, gnomAD 0.002%). This variant has not been reported in the literature in individuals affected with ALS2-related conditions. Algorithms developed to predict the effect of missense changes on protein structure and function (SIFT, PolyPhen-2, Align-GVGD) all suggest that this variant is likely to be tolerated. In summary, the available evidence is currently insufficient to determine the role of this variant in disease. Therefore, it has been classified as a Variant of Uncertain Significance.